The following is an entry in ClinVar:

NM_000237.3(LPL):c.461A>C (p.His154Pro)

Gene: LPL (lipoprotein lipase; plus strand). Cytogenetic location: 8p21.3.
Variant type: single nucleotide variant.
Coding change: c.461A>C on transcript NM_000237.3 (MANE Select); coding-DNA position 461, A replaced by C.
Protein change: p.His154Pro; replaces histidine 154 with proline.
Molecular consequence: missense variant.
Genome position (GRCh38, 1-based): chr8:19,953,341, A>C. VCF-style: chr8-19953341-A-C. GRCh37 (hg19) VCF-style: chr8-19810852-A-C.
Other names: short protein forms H154P.
Identifiers: ClinVar variation 4099274 (VCV004099274.1).

ClinVar aggregate classification (germline): Uncertain significance (1 of 4 stars; one submission).

Conditions:
Cardiovascular phenotype. Identifiers: MedGen CN230736.

Submission:

Ambry Genetics
Classification: Uncertain significance for Cardiovascular phenotype. Last evaluated: 2025-06-16. Review status: criteria provided, single submitter. Criteria: Ambry Variant Classification Scheme 2023. Collection method: clinical testing. Allele origin: germline.
Comment: The p.H154P variant (also known as c.461A>C), located in coding exon 4 of the LPL gene, results from an A to C substitution at nucleotide position 461. The histidine at codon 154 is replaced by proline, an amino acid with similar properties. This amino acid position is conserved. In addition, this alteration is predicted to be deleterious by in silico analysis. Based on the available evidence, the clinical significance of this variant remains unclear.